The following is an entry in ClinVar:

NM_001999.4(FBN2):c.5923G>A (p.Asp1975Asn)

Gene: FBN2 (fibrillin 2; minus strand). Cytogenetic location: 5q23.3.
Variant type: single nucleotide variant.
Coding change: c.5923G>A on transcript NM_001999.4 (MANE Select); coding-DNA position 5923, G replaced by A.
Protein change: p.Asp1975Asn; replaces aspartic acid 1975 with asparagine.
Molecular consequence: missense variant.
Genome position (GRCh38, 1-based): chr5:128,301,505, C>T on the plus strand (G>A on the coding strand, the complement: FBN2 is on the minus strand). VCF-style: chr5-128301505-C-T. GRCh37 (hg19) VCF-style: chr5-127637197-C-T.
Other names: short protein forms D1975N.
Identifiers: ClinVar variation 5021633 (VCV005021633.1).

ClinVar aggregate classification (germline): Uncertain significance (1 of 4 stars; one submission).

Conditions:
Familial thoracic aortic aneurysm and aortic dissection (TAAD). Also called: Thoracic aortic aneurysms and dissections. Identifiers: Orphanet 91387, MedGen C4707243, MONDO:0019625.

gnomAD v4.1: 1 of 1,613,218 alleles (0.000062%); highest among the groups gnomAD compares: Non-Finnish European, 0.000085%; no homozygotes.

Submission:

Ambry Genetics
Classification: Uncertain significance for Familial thoracic aortic aneurysm and aortic dissection. Last evaluated: 2026-08-08. Review status: criteria provided, single submitter. Criteria: Ambry Variant Classification Scheme 2023. Collection method: clinical testing. Allele origin: germline.
Comment: The p.D1975N variant (also known as c.5923G>A), located in coding exon 47 of the FBN2 gene, results from a G to A substitution at nucleotide position 5923. The aspartic acid at codon 1975 is replaced by asparagine, an amino acid with highly similar properties. This amino acid position is conserved. In addition, the in silico prediction for this alteration is inconclusive. Based on the available evidence, the clinical significance of this variant remains unclear.